The following continues an entry in ClinVar:

NM_000138.5(FBN1):c.7039_7040del (p.Met2347fs)

Gene: FBN1. ClinVar aggregate classification (germline): Pathogenic. Pathogenic (15).

Submissions 15 to 19 of 19:

Lifecell International Pvt. Ltd
Classification: Pathogenic for Marfan syndrome. Review status: criteria provided, single submitter. Criteria: ACMG Guidelines, 2015. Collection method: clinical testing. Allele origin: germline. Inheritance: Autosomal dominant inheritance. Affected: yes. Observed: 1 heterozygote.
Comment: A Heterozygous Frameshift variant c.7039_7040delAT in Exon 58 of the FBN1 gene that results in the amino acid substitution p.Met2347fs*19 was identified. The observed variant novel in gnomAD exomes and genomes, respectively. The severity of the impact of this variant on the protein is high, based on the effect of the protein and REVEL score . Rare Exome Variant Ensemble Learner (REVEL) is an ensembl method for predicting the pathogenicity of missense variants based on a combination of scores from 13 individual tools: MutPred, FATHMM v2.3, VEST 3.0, PolyPhen-2, SIFT, PROVEAN, MutationAssessor, MutationTaster, LRT, GERP++, SiPhy, phyloP, and phastCons. The REVEL score for an individual missense variant can range from 0 to 1, with higher scores reflecting greater likelihood that the variant is disease-causing. ClinVar has also classified this variant as Pathogenic (variant ID: 200171). This variant has previously been reported for Marfan syndrome (Comeglio P et al., 2007). Based on the above evidence this variant has been classified as Pathogenic according to the ACMG guidelines.

Center for Medical Genetics Ghent, University of Ghent
Classification: Pathogenic for Marfan syndrome. Last evaluated: 2017-11-07. Review status: no assertion criteria provided. Collection method: clinical testing. Allele origin: germline. Affected: yes. Not counted in ClinVar's aggregate classification.

University of Washington Center for Mendelian Genomics, University of Washington
Classification: Likely pathogenic for Familial thoracic aortic aneurysms; Acute aortic dissections. Last evaluated: 2016-01-20. Review status: no assertion criteria provided. Collection method: research. Allele origin: unknown. Affected: yes. Not counted in ClinVar's aggregate classification.

Centre for Genomic and Experimental Medicine, University of Edinburgh
Classification: Pathogenic for Familial thoracic aortic aneurysm and aortic dissection. Review status: no assertion criteria provided. Collection method: research. Allele origin: unknown. Affected: yes. Not counted in ClinVar's aggregate classification.

Center for Medical Genetics Ghent, University of Ghent
Classification: Pathogenic for Marfan syndrome. Last evaluated: 2017-11-07. Review status: flagged submission. Collection method: clinical testing. Allele origin: germline. Affected: yes. Not counted in ClinVar's aggregate classification.
ClinVar note: Reason: This record appears to be redundant with a more recent record from the same submitter.
ClinVar note: Notes: SCV000787293 appears to be redundant with SCV000787294.

Literature cited by the submitters: PubMed 17657824 (cited by 4 submitters); PubMed 19293843 (cited by Labcorp Genetics (formerly Invitae), Labcorp); PubMed 11826022 (cited by 3 submitters); PubMed 17627385 (cited by Labcorp Genetics (formerly Invitae), Labcorp and Ambry Genetics); PubMed 19618372 (cited by Labcorp Genetics (formerly Invitae), Labcorp and Ambry Genetics); PubMed 26272055 (cited by Labcorp Genetics (formerly Invitae), Labcorp and Ambry Genetics); PubMed 26621581 (cited by 3 submitters); PubMed 18435798 (cited by Ambry Genetics and Women's Health and Genetics/Laboratory Corporation of America, LabCorp); PubMed 19863550 (cited by Ambry Genetics and Women's Health and Genetics/Laboratory Corporation of America, LabCorp); PubMed 27112580 (cited by Ambry Genetics); PubMed 29357934 (cited by Ambry Genetics); PubMed 25101912 (cited by Women's Health and Genetics/Laboratory Corporation of America, LabCorp).